The following is an entry in ClinVar:

NM_198053.3(CD247):c.250G>T (p.Asp84Tyr)

Gene: CD247 (CD247 molecule; minus strand). Cytogenetic location: 1q24.2.
Variant type: single nucleotide variant.
Coding change: c.250G>T on transcript NM_198053.3 (MANE Select); coding-DNA position 250, G replaced by T.
Protein change: p.Asp84Tyr; replaces aspartic acid 84 with tyrosine.
Molecular consequence: missense variant.
Genome position (GRCh38, 1-based): chr1:167,438,620, C>A on the plus strand (G>T on the coding strand, the complement: CD247 is on the minus strand). VCF-style: chr1-167438620-C-A. GRCh37 (hg19) VCF-style: chr1-167407857-C-A.
Other names: c.250G>T, p.Asp84Tyr (NM_000734.4); c.343G>T, p.Asp115Tyr (NM_001378515.1, NM_001378516.1); short protein forms D84Y, D115Y.
Identifiers: ClinVar variation 1038153 (VCV001038153.5), dbSNP rs753572867, ClinGen allele CA1226032.
Genomic context (GRCh38, chr1:167,438,620, plus strand): 5'-GAACCCCTACCGGCTTTCCCCCCATCTCAGGGTCCCGGCCACGTCTCTTGTCCAAAACAT[C>A]GTACTCCTCTCTTCGTCCTAGATTGAGCTCCTATAACAGATAAGAAAGTGTCAGACACAG-3'
Protein context (NP_932170.1, residues 74-94): ELNLGRREEY[Asp84Tyr]VLDKRRGRDP

ClinVar aggregate classification (germline): Uncertain significance (1 of 4 stars; one submission).

Conditions:
Immunodeficiency 25. Also called: Immunodeficiency due to defect in cd3-zeta, somatic. Identifiers: MedGen C1857798, MONDO:0012426, OMIM 610163.

Allele frequency attached by ClinVar (database versions not stated): ExAC 0.00001.

Submission:

Labcorp Genetics (formerly Invitae), Labcorp
Classification: Uncertain significance for Immunodeficiency 25. Last evaluated: 2024-11-04. Review status: criteria provided, single submitter. Criteria: Invitae Variant Classification Sherloc (09022015). Collection method: clinical testing. Allele origin: germline.
Comment: This sequence change replaces aspartic acid, which is acidic and polar, with tyrosine, which is neutral and polar, at codon 84 of the CD247 protein (p.Asp84Tyr). This variant is present in population databases (rs753572867, gnomAD 0.006%). This variant has not been reported in the literature in individuals affected with CD247-related conditions. ClinVar contains an entry for this variant (Variation ID: 1038153). An algorithm developed to predict the effect of missense changes on protein structure and function (PolyPhen-2) suggests that this variant is likely to be disruptive. In summary, the available evidence is currently insufficient to determine the role of this variant in disease. Therefore, it has been classified as a Variant of Uncertain Significance.